The following is an entry in ClinVar:

ClinVar aggregate classification (germline): Uncertain significance (1 of 4 stars; one submission).

Allele frequency attached by ClinVar (database versions not stated): gnomAD 0.00001; gnomAD exomes 0.00002; ExAC 0.00003; TOPMed 0.00003; 1000 Genomes Project 30x 0.00016; 1000 Genomes Project 0.00020.
gnomAD v4.1: 31 of 1,611,670 alleles (0.0019%); highest among the groups gnomAD compares: Admixed American, 0.01%; no homozygotes.

Submission:

Labcorp Genetics (formerly Invitae), Labcorp
Classification: Uncertain significance. Last evaluated: 2021-08-30. Review status: criteria provided, single submitter. Criteria: Invitae Variant Classification Sherloc (09022015). Collection method: clinical testing. Allele origin: germline.
Comment: This sequence change replaces arginine with glutamine at codon 1416 of the COL27A1 protein (p.Arg1416Gln). The arginine residue is moderately conserved and there is a small physicochemical difference between arginine and glutamine. This variant is present in population databases (rs200663129, ExAC 0.009%). This variant has not been reported in the literature in individuals affected with COL27A1-related conditions. Algorithms developed to predict the effect of missense changes on protein structure and function are either unavailable or do not agree on the potential impact of this missense change (SIFT: "Deleterious"; PolyPhen-2: "Not Available"; Align-GVGD: "Class C0"). In summary, the available evidence is currently insufficient to determine the role of this variant in disease. Therefore, it has been classified as a Variant of Uncertain Significance.

NM_032888.4(COL27A1):c.4247G>A (p.Arg1416Gln)

Gene: COL27A1 (collagen type XXVII alpha 1 chain; plus strand). Cytogenetic location: 9q32.
Variant type: single nucleotide variant.
Coding change: c.4247G>A on transcript NM_032888.4 (MANE Select); coding-DNA position 4247, G replaced by A.
Protein change: p.Arg1416Gln; replaces arginine 1416 with glutamine.
Molecular consequence: missense variant.
Genome position (GRCh38, 1-based): chr9:114,290,098, G>A. VCF-style: chr9-114290098-G-A. GRCh37 (hg19) VCF-style: chr9-117052378-G-A.
Other names: short protein forms R1416Q.
Identifiers: ClinVar variation 2159374 (VCV002159374.1), dbSNP rs200663129, ClinGen allele CA5202875.
Genomic context (GRCh38, chr9:114,290,098, plus strand): 5'-TGTGGCCCTTGATTTTTCAGGGACCAAAGGGAAAGCAAGGCAAGGCAGGGGCCCCAGGCC[G>A]GAGGGGGGTCCAGGTGAGTGACTACAGCTGCTGTTTCCAGCCAACCTCCCTGCCCGCCCC-3'
Protein context (NP_116277.2, residues 1406-1426): GKQGKAGAPG[Arg1416Gln]RGVQGLQGLP